The following is an entry in ClinVar:

ClinVar aggregate classification (germline): Uncertain significance. Review status: criteria provided, single submitter (1 of 4 stars). 2 submissions from 2 submitters: Uncertain significance (1). 1 of the submissions does not count toward it. Last evaluated 2025-08-24.

Conditions:
Pulmonary hypertension, primary, 1 (PPH1). Also called: Pulmonary hypertension, familial primary, 1, with or without HHT. Identifiers: Orphanet 422, MedGen C4552070, MONDO:0024533, OMIM 178600.
Primary pulmonary hypertension. Also called: Idiopathic pulmonary hypertension. Identifiers: MedGen C0152171.

Submissions (2):

Labcorp Genetics (formerly Invitae), Labcorp
Classification: Uncertain significance for Primary pulmonary hypertension. Last evaluated: 2025-08-24. Review status: criteria provided, single submitter. Criteria: Invitae Variant Classification Sherloc (09022015). Collection method: clinical testing. Allele origin: germline.
Comment: This sequence change replaces glycine, which is neutral and non-polar, with glutamic acid, which is acidic and polar, at codon 83 of the BMPR2 protein (p.Gly83Glu). This variant is not present in population databases (gnomAD no frequency). This missense change has been observed in individual(s) with clinical features of pulmonary arterial hypertension (PMID: 19555857; internal data). ClinVar contains an entry for this variant (Variation ID: 425741). An algorithm developed to predict the effect of missense changes on protein structure and function (PolyPhen-2) suggests that this variant is likely to be disruptive. Experimental studies have shown that this missense change affects BMPR2 function (PMID: 35504921). This variant disrupts the p.Gly83 amino acid residue in BMPR2. Other variant(s) that disrupt this residue have been observed in individuals with BMPR2-related conditions (PMID: 18356561), which suggests that this may be a clinically significant amino acid residue. In summary, the available evidence is currently insufficient to determine the role of this variant in disease. Therefore, it has been classified as a Variant of Uncertain Significance.

Rare Disease Genomics Group, St George's University of London
Classification: Pathogenic for Primary pulmonary hypertension. Review status: no assertion criteria provided. Collection method: literature only. Allele origin: germline. Affected: yes. Not counted in ClinVar's aggregate classification.

Literature cited by the submitters: PubMed 19555857 (cited by Labcorp Genetics (formerly Invitae), Labcorp and Rare Disease Genomics Group, St George's University of London); PubMed 35504921 (cited by Labcorp Genetics (formerly Invitae), Labcorp); PubMed 18356561 (cited by Labcorp Genetics (formerly Invitae), Labcorp).

NM_001204.7(BMPR2):c.248G>A (p.Gly83Glu)

Gene: BMPR2 (bone morphogenetic protein receptor type 2; plus strand). Cytogenetic location: 2q33.1.
Variant type: single nucleotide variant.
Coding change: c.248G>A on transcript NM_001204.7 (MANE Select); coding-DNA position 248, G replaced by A.
Protein change: p.Gly83Glu; replaces glycine 83 with glutamic acid.
Molecular consequence: missense variant.
Genome position (GRCh38, 1-based): chr2:202,467,519, G>A. VCF-style: chr2-202467519-G-A. GRCh37 (hg19) VCF-style: chr2-203332242-G-A.
Other names: c.248G>A (LRG_712t1); short protein forms G83E.
Identifiers: ClinVar variation 425741 (VCV000425741.2), dbSNP rs1085307195, ClinGen allele CA350399503.